The following is an entry in ClinVar:

NM_001378328.1(CELSR1):c.4536G>A (p.Thr1512=)

Gene: CELSR1 (cadherin EGF LAG seven-pass G-type receptor 1; minus strand). Cytogenetic location: 22q13.31.
Variant type: single nucleotide variant.
Coding change: c.4536G>A on transcript NM_001378328.1 (MANE Select); coding-DNA position 4536, G replaced by A.
Protein change: p.Thr1512=; no amino-acid change (threonine 1512 retained).
Molecular consequence: synonymous variant.
Genome position (GRCh38, 1-based): chr22:46,433,468, C>T on the plus strand (G>A on the coding strand, the complement: CELSR1 is on the minus strand). VCF-style: chr22-46433468-C-T. GRCh37 (hg19) VCF-style: chr22-46829365-C-T.
Other names: c.4536G>A, p.Thr1512= (NM_014246.4).
Identifiers: ClinVar variation 3038910 (VCV003038910.2), dbSNP rs202017473, ClinGen allele CA10294612.
Genomic context (GRCh38, chr22:46,433,468, plus strand): 5'-CACCTGCACAGAGTGCCACCGCCCGTCACTCACACCACTGGGAACCTTCGGTGCCACGGT[C>T]GTTGTTGTCTCGCCTGCATGGTGGGAGGGAGACCCAGAGAGAAAACAGGGGTTGGCGGGG-3'
Protein context (NP_001365257.1, residues 1502-1522): QLTFSAGETT[Thr1512=]TVAPKVPSGV

ClinVar aggregate classification (germline): Benign (0 of 4 stars; one submission).

Conditions:
CELSR1-related disorder. Also called: CELSR1-related condition.

Allele frequency attached by ClinVar (database versions not stated): TOPMed 0.00006; gnomAD 0.00023; ExAC 0.00108; 1000 Genomes Project 0.00200; 1000 Genomes Project 30x 0.00219.
gnomAD v4.1: 657 of 1,613,904 alleles (0.041%); highest among the groups gnomAD compares: South Asian, 0.69%; 8 homozygotes.

Submission:

PreventionGenetics, part of Exact Sciences
Classification: Benign for CELSR1-related condition. Last evaluated: 2019-05-28. Review status: no assertion criteria provided. Collection method: clinical testing. Allele origin: germline.
Comment: This variant is classified as benign based on ACMG/AMP sequence variant interpretation guidelines (Richards et al. 2015 PMID: 25741868, with internal and published modifications).